The following is an entry in ClinVar:

ClinVar aggregate classification (germline): Conflicting classifications of pathogenicity. Review status: criteria provided, conflicting classifications (1 of 4 stars). 7 submissions from 7 submitters: Uncertain significance (2); Likely benign (2). 3 of the submissions do not count toward it. Last evaluated 2026-01-18.

Conditions:
Epiphyseal dysplasia, multiple, 6. Also called: COL9A1-Related Multiple Epiphyseal Dysplasia. Identifiers: MedGen C2675767, MONDO:0013591, OMIM 614135.
Stickler syndrome, type 4 (STL4). Identifiers: Orphanet 250984, Orphanet 828, MedGen C3279941, MONDO:0013590, OMIM 614134.
Inborn genetic diseases. Identifiers: MedGen C0950123, MeSH D030342.
COL9A1-related disorder. Also called: COL9A1-related disorders; COL9A1-related condition.

Allele frequency attached by ClinVar (database versions not stated): TOPMed 0.00023; gnomAD 0.00026; ExAC 0.00030; gnomAD exomes 0.00031 and 0.00046; ESP Exome Variant Server 0.00038.
gnomAD v4.1: 699 of 1,614,012 alleles (0.043%); highest among the groups gnomAD compares: Admixed American, 0.082%; no homozygotes.

Submissions (7):

Labcorp Genetics (formerly Invitae), Labcorp
Classification: Likely benign. Last evaluated: 2026-01-18. Review status: criteria provided, single submitter. Criteria: Invitae Variant Classification Sherloc (09022015). Collection method: clinical testing. Allele origin: germline.

Ambry Genetics
Classification: Uncertain significance for Inborn genetic diseases. Last evaluated: 2025-10-22. Review status: criteria provided, single submitter. Criteria: Ambry Variant Classification Scheme 2023. Collection method: clinical testing. Allele origin: germline.

GeneDx
Classification: Uncertain significance. Last evaluated: 2024-11-26. Review status: criteria provided, single submitter. Criteria: GeneDx Variant Classification Process June 2021. Collection method: clinical testing. Allele origin: germline. Affected: yes.
Comment: In silico analysis indicates that this missense variant does not alter protein structure/function; Has not been previously published as pathogenic or benign to our knowledge

Blueprint Genetics
Classification: Likely benign. Last evaluated: 2024-11-14. Review status: criteria provided, single submitter. Criteria: ACMG Guidelines, 2015. Collection method: clinical testing. Allele origin: germline.

PreventionGenetics, part of Exact Sciences
Classification: Likely benign for COL9A1-related condition. Last evaluated: 2022-10-18. Review status: no assertion criteria provided. Collection method: clinical testing. Allele origin: germline. Not counted in ClinVar's aggregate classification.
Comment: This variant is classified as likely benign based on ACMG/AMP sequence variant interpretation guidelines (Richards et al. 2015 PMID: 25741868, with internal and published modifications).

Clinical Genetics DNA and cytogenetics Diagnostics Lab, Erasmus MC, Erasmus Medical Center
Classification: Likely benign. Review status: no assertion criteria provided. Collection method: clinical testing. Allele origin: germline. Affected: yes. Study: VKGL Data-share Consensus. Not counted in ClinVar's aggregate classification.

Clinical Genetics, Academic Medical Center
Classification: Benign. Review status: no assertion criteria provided. Collection method: clinical testing. Allele origin: germline. Affected: yes. Study: VKGL Data-share Consensus. Not counted in ClinVar's aggregate classification.

NM_001851.6(COL9A1):c.460G>C (p.Val154Leu)

Gene: COL9A1 (collagen type IX alpha 1 chain; minus strand). Cytogenetic location: 6q13.
Variant type: single nucleotide variant.
Coding change: c.460G>C on transcript NM_001851.6 (MANE Select); coding-DNA position 460, G replaced by C.
Protein change: p.Val154Leu; replaces valine 154 with leucine.
Molecular consequence: missense variant.
Genome position (GRCh38, 1-based): chr6:70,294,403, C>G on the plus strand (G>C on the coding strand, the complement: COL9A1 is on the minus strand). VCF-style: chr6-70294403-C-G. GRCh37 (hg19) VCF-style: chr6-71004106-C-G.
Other names: c.460G>C, p.Val154Leu (NM_001377291.1); short protein forms V154L.
Identifiers: ClinVar variation 833926 (VCV000833926.26), dbSNP rs138583508, ClinGen allele CA3882804.
Genomic context (GRCh38, chr6:70,294,403, plus strand): 5'-AGGACAAATTCGAAAAGGCTGCTGTTTGGAGACTTCCATCCAGTCCCTTGTATGAAAATA[C>G]AACAGATTGTGTTTGGCCATTAATCTTTATGCCAACTTGCTCCTTCCCAGAGGAATCCTG-3'
Protein context (NP_001842.3, residues 144-164): IKINGQTQSV[Val154Leu]FSYKGLDGSL